The following is an entry in ClinVar:

ClinVar aggregate classification (germline): Uncertain significance. Review status: criteria provided, multiple submitters, no conflicts (2 of 4 stars). 2 submissions from 2 submitters: Uncertain significance (2). Last evaluated 2025-12-29.

Conditions:
Cardiovascular phenotype. Identifiers: MedGen CN230736.
Hypertrophic cardiomyopathy. Also called: HYPERTROPHIC MYOCARDIOPATHY. Identifiers: Orphanet 217569, MedGen C0007194, MeSH D002312, MONDO:0005045, HP:0001639.

Submissions (2):

Labcorp Genetics (formerly Invitae), Labcorp
Classification: Uncertain significance for Hypertrophic cardiomyopathy. Last evaluated: 2025-12-29. Review status: criteria provided, single submitter. Criteria: Invitae Variant Classification Sherloc (09022015). Collection method: clinical testing. Allele origin: germline.
Comment: This sequence change replaces tyrosine, which is neutral and polar, with cysteine, which is neutral and slightly polar, at codon 194 of the MYH7 protein (p.Tyr194Cys). This variant is not present in population databases (gnomAD no frequency). This missense change has been observed in individual(s) with clinical features of hypertrophic cardiomyopathy (internal data). ClinVar contains an entry for this variant (Variation ID: 2091614). Invitae Evidence Modeling of protein sequence and biophysical properties (such as structural, functional, and spatial information, amino acid conservation, physicochemical variation, residue mobility, and thermodynamic stability) indicates that this missense variant is expected to disrupt MYH7 protein function with a positive predictive value of 95%. In summary, the available evidence is currently insufficient to determine the role of this variant in disease. Therefore, it has been classified as a Variant of Uncertain Significance.

Ambry Genetics
Classification: Uncertain significance for Cardiovascular phenotype. Last evaluated: 2024-07-03. Review status: criteria provided, single submitter. Criteria: Ambry Variant Classification Scheme 2023. Collection method: clinical testing. Allele origin: germline.
Comment: The p.Y194C variant (also known as c.581A>G), located in coding exon 5 of the MYH7 gene, results from an A to G substitution at nucleotide position 581. The tyrosine at codon 194 is replaced by cysteine, an amino acid with highly dissimilar properties. This amino acid position is highly conserved in available vertebrate species. In addition, this alteration is predicted to be deleterious by in silico analysis. Based on the available evidence, the clinical significance of this variant remains unclear.

NM_000257.4(MYH7):c.581A>G (p.Tyr194Cys)

Gene: MYH7 (myosin heavy chain 7; minus strand). Cytogenetic location: 14q11.2.
Variant type: single nucleotide variant.
Coding change: c.581A>G on transcript NM_000257.4 (MANE Select); coding-DNA position 581, A replaced by G.
Protein change: p.Tyr194Cys; replaces tyrosine 194 with cysteine.
Molecular consequence: missense variant.
Genome position (GRCh38, 1-based): chr14:23,431,819, T>C on the plus strand (A>G on the coding strand, the complement: MYH7 is on the minus strand). VCF-style: chr14-23431819-T-C. GRCh37 (hg19) VCF-style: chr14-23901028-T-C.
Other names: c.581A>G, p.Tyr194Cys (NM_001407004.1); short protein forms Y194C.
Identifiers: ClinVar variation 2091614 (VCV002091614.5), dbSNP rs2502313852, ClinGen allele CA389052488.